The following is an entry in ClinVar:

NM_198253.3(TERT):c.1573+6G>A

Gene: TERT (telomerase reverse transcriptase; minus strand). Cytogenetic location: 5p15.33.
Variant type: single nucleotide variant.
Coding change: c.1573+6G>A on transcript NM_198253.3 (MANE Select); 6 bases into the intron after coding-DNA position 1573, G replaced by A.
Molecular consequence: intron variant.
Genome position (GRCh38, 1-based): chr5:1,293,307, C>T on the plus strand (G>A on the coding strand, the complement: TERT is on the minus strand). VCF-style: chr5-1293307-C-T. GRCh37 (hg19) VCF-style: chr5-1293422-C-T.
Other names: c.1573+6G>A (NM_001193376.3).
Identifiers: ClinVar variation 1039905 (VCV001039905.7), dbSNP rs1561213199, ClinGen allele CA1522582235.

ClinVar aggregate classification (germline): Uncertain significance (1 of 4 stars; one submission).

Conditions:
Dyskeratosis congenita, autosomal dominant 2. Identifiers: MedGen C3151443, MONDO:0013521, OMIM 613989.
Idiopathic Pulmonary Fibrosis. Also called: Idiopathic fibrosing alveolitis, chronic form; idiopathic fibrosing alveolitis. Identifiers: Orphanet 2032, MedGen C1800706, MeSH D054990, MONDO:0800504.

gnomAD v4.1: 1 of 1,612,728 alleles (0.000062%); highest among the groups gnomAD compares: Admixed American, 0.0017%; no homozygotes.

Submission:

Labcorp Genetics (formerly Invitae), Labcorp
Classification: Uncertain significance for Dyskeratosis congenita, autosomal dominant 2; Idiopathic Pulmonary Fibrosis. Last evaluated: 2021-12-27. Review status: criteria provided, single submitter. Criteria: Invitae Variant Classification Sherloc (09022015). Collection method: clinical testing. Allele origin: germline.
Comment: This sequence change falls in intron 2 of the TERT gene. It does not directly change the encoded amino acid sequence of the TERT protein. It affects a nucleotide within the consensus splice site. This variant is not present in population databases (gnomAD no frequency). This variant has not been reported in the literature in individuals affected with TERT-related conditions. ClinVar contains an entry for this variant (Variation ID: 1039905). Variants that disrupt the consensus splice site are a relatively common cause of aberrant splicing (PMID: 17576681, 9536098). Algorithms developed to predict the effect of sequence changes on RNA splicing suggest that this variant is not likely to affect RNA splicing. In summary, the available evidence is currently insufficient to determine the role of this variant in disease. Therefore, it has been classified as a Variant of Uncertain Significance.

Literature cited by the submitters: PubMed 17576681; PubMed 9536098.